The following is an entry in ClinVar:

ClinVar aggregate classification (germline): Uncertain significance (1 of 4 stars; one submission).

Conditions:
Primary familial hypertrophic cardiomyopathy (HCM). Identifiers: Orphanet 99739, MedGen C0949658, MeSH D024741, MONDO:0024573. Inheritance: Various modes of inheritance.
Dilated cardiomyopathy 1AA (CMD1AA). Also called: CARDIOMYOPATHY, DILATED, 1AA, WITH OR WITHOUT LEFT VENTRICULAR NONCOMPACTION; CARDIOMYOPATHY, FAMILIAL HYPERTROPHIC, 23, WITH OR WITHOUT LEFT VENTRICULAR NONCOMPACTION; Cardiomyopathy, dilated, 1AA, with or without LVNC. Identifiers: Orphanet 154, MedGen C2677338, MONDO:0012808, OMIM 612158.

Submission:

Labcorp Genetics (formerly Invitae), Labcorp
Classification: Uncertain significance for Primary familial hypertrophic cardiomyopathy; Dilated cardiomyopathy 1AA. Last evaluated: 2023-06-27. Review status: criteria provided, single submitter. Criteria: Invitae Variant Classification Sherloc (09022015). Collection method: clinical testing. Allele origin: germline.
Comment: In summary, the available evidence is currently insufficient to determine the role of this variant in disease. Therefore, it has been classified as a Variant of Uncertain Significance. This variant has not been reported in the literature in individuals affected with ACTN2-related conditions. This variant is not present in population databases (gnomAD no frequency). This sequence change creates a premature translational stop signal (p.Asp17Glyfs*2) in the ACTN2 gene. It is expected to result in an absent or disrupted protein product. However, the current clinical and genetic evidence is not sufficient to establish whether loss-of-function variants in ACTN2 cause disease.

NM_001103.4(ACTN2):c.49dup (p.Asp17fs)

Gene: ACTN2 (actinin alpha 2; plus strand). Cytogenetic location: 1q43.
Variant type: Duplication.
Coding change: c.49dup on transcript NM_001103.4 (MANE Select); coding-DNA position 49, one base duplicated (G; older notation c.49dupG).
Protein change: p.Asp17fs; shifts the reading frame from aspartic acid 17.
Molecular consequence: frameshift variant. On other transcripts: non-coding transcript variant (1).
Genome position (GRCh38, 1-based): chr1:236,686,722, G duplicated; the last of 2 consecutive G bases (chr1:236,686,721-236,686,722); duplicating either gives the same sequence. VCF-style (leftmost placement, unchanged base first): chr1-236686720-A-AG. GRCh37 (hg19) VCF-style: chr1-236850020-A-AG.
Other names: c.49dup, p.Asp17fs (NM_001278343.2); c.-773dup (NM_001278344.2); c.-898dup (NM_001412150.1); short protein forms D17fs.
Identifiers: ClinVar variation 2948185 (VCV002948185.3), dbSNP rs1665883260, ClinGen allele CA2487021814.